The following is an entry in ClinVar:

NM_000152.5(GAA):c.169C>T (p.Gln57Ter)

Gene: GAA (alpha glucosidase; plus strand). Cytogenetic location: 17q25.3.
Variant type: single nucleotide variant.
Coding change: c.169C>T on transcript NM_000152.5 (MANE Select); coding-DNA position 169, C replaced by T.
Protein change: p.Gln57Ter; replaces glutamine 57 with a stop codon.
Molecular consequence: nonsense.
Genome position (GRCh38, 1-based): chr17:80,104,755, C>T. VCF-style: chr17-80104755-C-T. GRCh37 (hg19) VCF-style: chr17-78078554-C-T.
Other names: c.169C>T (LRG_673t1, NM_000152.4); c.169C>T, p.Gln57Ter (NM_001079803.3, NM_001079804.3); short protein forms Q57*.
Identifiers: ClinVar variation 370124 (VCV000370124.27), dbSNP rs1057516251, ClinGen allele CA16041879.

ClinVar aggregate classification (germline): Pathogenic. Review status: reviewed by expert panel (3 of 4 stars). 9 submissions from 9 submitters: Pathogenic (1). 8 of the submissions do not count toward it. Last evaluated 2023-11-06.

Conditions:
Glycogen storage disease, type II (IOPD). Also called: GLYCOGENOSIS, GENERALIZED, CARDIAC FORM; Glucosidase acid-1,4-alpha deficiency; Pompe Disease; POMPE DISEASE, INFANTILE-ONSET; GSD II; Glycogen storage disease type 2. Identifiers: Orphanet 365, MedGen C0017921, MONDO:0009290, OMIM 232300.

Submissions (9):

ClinGen Lysosomal Storage Disorder Variant Curation Expert Panel
Classification: Pathogenic for Glycogen storage disease, type II. Last evaluated: 2023-11-06. Review status: reviewed by expert panel. Criteria: clingen_lsd_acmg_specifications_v2-1. Collection method: curation. Allele origin: germline. Inheritance: Autosomal recessive inheritance.
Comment: The NM_000152.5:c.169C>T (p.Gln57Ter) variant in GAA is a nonsense variant predicted to cause a premature stop codon in biologically-relevant-exon 2 (there are 20 exons in GAA), leading to nonsense mediated decay in a gene in which loss-of-function is an established disease mechanism (PVS1). One individual with symptoms consistent with late-onset Pompe disease and deficient GAA activity in lymphocytes has been reported who is compound heterozygous for the variant and a missense variant, c,655G>A (p.Gly219Arg), in GAA (PMID 29124014) (PP4_Moderate). The allelic data for this patient will be used in the classification of p.Gly219Arg and is not included here to avoid circular logic. This variant is absent in gnomAD v2.1.1. (PM2_Supporting). In summary, this variant meets the criteria to be classified as pathogenic for Pompe disease. GAA-specific ACMG/AMP criteria applied, as specified by the ClinGen Lysosomal Diseases Variant Curation Expert Panel (Specifications Version 2.0): PVS1, PP4_Moderate, PM2_Supporting. (Classification approved by the ClinGen Lysosomal Diseases VCEP on November 6, 2023).

Genomenon, Inc
Classification: Pathogenic for Glycogen storage disease, type II. Last evaluated: 2026-07-01. Review status: criteria provided, single submitter. Criteria: Genomenon Sequence Variant Interpretation Standards - Updated. Collection method: curation. Allele origin: germline. Affected: yes. Not counted in ClinVar's aggregate classification.
Comment: GAA p.Gln57Ter (c.169C>T) is a nonsense variant that introduces a premature stop codon at amino acid position 57 and is predicted to result in a truncated or absent protein product. This variant has been observed in at least one proband with a GAA-related disorder (PMID:29124014). It is absent or not present at a significant frequency in gnomAD. In conclusion, we classify GAA p.Gln57Ter (c.169C>T) as a pathogenic variant.

Natera, Inc.
Classification: Pathogenic for Glycogen storage disease type II. Last evaluated: 2024-12-23. Review status: criteria provided, single submitter. Criteria: Natera Variant Classification Schema (03/2026). Collection method: clinical testing. Allele origin: germline. Not counted in ClinVar's aggregate classification.
Comment: The c.169C>T variant in GAA is a nonsense variant predicted to introduce a stop codon at amino acid 57. This variant is expected to result in nonsense mediated decay, truncation, or a dysfunctional protein product. This variant is rare in the general population with a frequency below the threshold expected for the associated phenotype(s). This variant has been observed in one or more individuals affected with the associated recessive disease, as either homozygous or compound heterozygous with a second variant (PMID: 29124014). Given the available evidence, this variant is classified as Pathogenic.

Labcorp Genetics (formerly Invitae), Labcorp
Classification: Pathogenic for Glycogen storage disease, type II. Last evaluated: 2024-03-16. Review status: criteria provided, single submitter. Criteria: Invitae Variant Classification Sherloc (09022015). Collection method: clinical testing. Allele origin: germline. Not counted in ClinVar's aggregate classification.
Comment: This sequence change creates a premature translational stop signal (p.Gln57*) in the GAA gene. It is expected to result in an absent or disrupted protein product. Loss-of-function variants in GAA are known to be pathogenic (PMID: 18425781, 22252923). This variant is not present in population databases (gnomAD no frequency). This premature translational stop signal has been observed in individual(s) with Pompe disease (PMID: 29124014). ClinVar contains an entry for this variant (Variation ID: 370124). For these reasons, this variant has been classified as Pathogenic.

Baylor Genetics
Classification: Pathogenic for Glycogen storage disease, type II. Last evaluated: 2023-11-12. Review status: criteria provided, single submitter. Criteria: ACMG Guidelines, 2015. Collection method: clinical testing. Allele origin: unknown. Not counted in ClinVar's aggregate classification.

Clinical Genomics Laboratory, Stanford Medicine
Classification: Pathogenic for Glycogen storage disease, type II. Last evaluated: 2023-09-08. Review status: criteria provided, single submitter. Criteria: ACMG Guidelines, 2015. Collection method: clinical testing. Allele origin: germline. Inheritance: Autosomal recessive inheritance. Observed: 1 variant allele, 1 heterozygote. Not counted in ClinVar's aggregate classification.
Comment: The p.Gln57* variant in the GAA gene has been previously reported in the compound heterozygous state with another pathogenic variant (p.Gly219Arg) in an individual with Pompe disease (PMID: 29124014). This variant was absent from large population databases, including the Genome Aggregation Database. This variant is present in ClinVar (Accession: VCV000370124.25). The p.Gln57* variant leads to a premature stop codon in exon 2 of 20 exons, and is therefore predicted to undergo nonsense-mediated decay resulting in a truncated or absent protein. Loss-of-function is an established mechanism of disease for the GAA gene (PMID: 22253258). These data were assessed using the ACMG/AMP variant interpretation guidelines. In summary, there is sufficient evidence to classify the p.Gln57* variant as pathogenic for autosomal recessive Pompe disease based on the information above. [ACMG evidence codes used: PVS1; PM2; PM3_Supporting]

Revvity Omics, Revvity
Classification: Pathogenic. Last evaluated: 2023-03-13. Review status: criteria provided, single submitter. Criteria: ACMG Guidelines, 2015. Collection method: clinical testing. Allele origin: germline. Not counted in ClinVar's aggregate classification.

Fulgent Genetics
Classification: Pathogenic for Glycogen storage disease, type II. Last evaluated: 2021-10-18. Review status: criteria provided, single submitter. Criteria: ACMG Guidelines, 2015. Collection method: clinical testing. Allele origin: unknown. Not counted in ClinVar's aggregate classification.

Counsyl
Classification: Likely pathogenic for Glycogen storage disease, type II. Last evaluated: 2015-11-24. Review status: no assertion criteria provided. Collection method: clinical testing. Allele origin: unknown. Not counted in ClinVar's aggregate classification.

Literature cited by the submitters: PubMed 29124014 (cited by 4 submitters); PubMed 18425781 (cited by Labcorp Genetics (formerly Invitae), Labcorp); PubMed 22252923 (cited by Labcorp Genetics (formerly Invitae), Labcorp); PubMed 22253258 (cited by Clinical Genomics Laboratory, Stanford Medicine).